The following is an entry in ClinVar:

ClinVar aggregate classification (germline): Pathogenic (1 of 4 stars; one submission).

Conditions:
GLUT1 deficiency syndrome 1, autosomal recessive. Identifiers: MedGen C3149117.

Submission:

Labcorp Genetics (formerly Invitae), Labcorp
Classification: Pathogenic for GLUT1 deficiency syndrome 1, autosomal recessive. Last evaluated: 2023-07-10. Review status: criteria provided, single submitter. Criteria: Invitae Variant Classification Sherloc (09022015). Collection method: clinical testing. Allele origin: germline.
Comment: This sequence change creates a premature translational stop signal (p.Val83Glyfs*5) in the SLC2A1 gene. It is expected to result in an absent or disrupted protein product. Loss-of-function variants in SLC2A1 are known to be pathogenic (PMID: 21832227, 26193382). For these reasons, this variant has been classified as Pathogenic. This variant has not been reported in the literature in individuals affected with SLC2A1-related conditions. This variant is not present in population databases (gnomAD no frequency).

Literature cited by the submitters: PubMed 21832227; PubMed 26193382.

NM_006516.4(SLC2A1):c.248_249del (p.Val83fs)

Gene: SLC2A1 (solute carrier family 2 member 1; minus strand). Cytogenetic location: 1p34.2.
Variant type: Microsatellite.
Coding change: c.248_249del on transcript NM_006516.4 (MANE Select); coding-DNA positions 248 to 249, 2 bases deleted (TG; older notation c.248_249delTG).
Protein change: p.Val83fs; shifts the reading frame from valine 83.
Molecular consequence: frameshift variant.
Genome position (GRCh38, 1-based): chr1:42,931,072-42,931,073, CA deleted on the plus strand (TG on the coding strand, the reverse complement: SLC2A1 is on the minus strand); deleting any 2 consecutive bases within chr1:42,931,072-42,931,075 gives the same sequence; the c. name uses the placement nearest the transcript's 3' end. VCF-style (leftmost placement, unchanged base first): chr1-42931071-CCA-C. GRCh37 (hg19) VCF-style: chr1-43396742-CCA-C.
Other names: short protein forms V83fs.
Identifiers: ClinVar variation 2741298 (VCV002741298.3), dbSNP rs2524999169, ClinGen allele CA2697552365.